The following is an entry in ClinVar:

NM_000489.6(ATRX):c.4510C>T (p.Arg1504Ter)

Gene: ATRX (ATRX chromatin remodeler; minus strand). Cytogenetic location: Xq21.1.
Variant type: single nucleotide variant.
Coding change: c.4510C>T on transcript NM_000489.6 (MANE Select); coding-DNA position 4510, C replaced by T.
Protein change: p.Arg1504Ter; replaces arginine 1504 with a stop codon.
Molecular consequence: nonsense.
Genome position (GRCh38, 1-based): chrX:77,652,161, G>A on the plus strand (C>T on the coding strand, the complement: ATRX is on the minus strand). VCF-style: chrX-77652161-G-A. GRCh37 (hg19) VCF-style: chrX-76907651-G-A.
Other names: c.4396C>T, p.Arg1466Ter (NM_138270.5); short protein forms R1466*, R1504*.
Identifiers: ClinVar variation 4531355 (VCV004531355.1).
Genomic context (GRCh38, chrX:77,652,161, plus strand): 5'-AGAAATTAGTTACCTCTCTCAATTTTTCTCGCTCACGCTCCCTCTCAGCAATACGTTTTC[G>A]TCTCTCTTCCTCTTCCTTAAGAGCATTTTGTGTTTCTGTTCTCAGTTTATCATCTTTAAG-3'

ClinVar aggregate classification (germline): Pathogenic (1 of 4 stars; one submission).

Conditions:
ATR-X-related syndrome. Identifiers: MedGen CN257940, MONDO:0016980.

Submission:

Victorian Clinical Genetics Services, Murdoch Childrens Research Institute
Classification: Pathogenic for ATR-X-related syndrome. Last evaluated: 2025-09-04. Review status: criteria provided, single submitter. Criteria: ACMG Guidelines, 2015. Collection method: clinical testing. Allele origin: germline. Affected: yes.
Comment: This variant is classified as Pathogenic. Evidence in support of pathogenic classification: Variant is predicted to cause nonsense-mediated decay (NMD) and loss of protein (premature termination codon is located at least 54 nucleotides upstream of the final exon-exon junction); Variant is absent from gnomAD (v2, v3 and v4); Other NMD-predicted variant(s) comparable to the one identified in this case have very strong previous evidence for pathogenicity (DECIPHER). Additional information: This gene is associated with both X-linked recessive and dominant disease. Carrier females may be asymptomatic, or affected with alpha-thalassaemia syndrome (OMIM); Loss of function is a known mechanism of disease in this gene and is associated with ATRX-related conditions; Variants in this gene are known to have variable expressivity. Variable severity and phenotypes have been observed among individuals with the same variant (PMIDs: 24805811, 23820649, 21029860).

Literature cited by the submitters: PubMed 21029860; PubMed 24805811; PubMed 23820649.